The following is an entry in ClinVar:

ClinVar aggregate classification (germline): Uncertain significance (1 of 4 stars; one submission).

Submission:

Ambry Genetics
Classification: Uncertain significance. Last evaluated: 2025-04-25. Review status: criteria provided, single submitter. Criteria: Ambry Variant Classification Scheme 2023. Collection method: clinical testing. Allele origin: germline.
Comment: The p.H225R variant (also known as c.674A>G), located in coding exon 1 of the MC1R gene, results from an A to G substitution at nucleotide position 674. The histidine at codon 225 is replaced by arginine, an amino acid with highly similar properties. This amino acid position is conserved. In addition, this alteration is predicted to be tolerated by in silico analysis. Based on the available evidence, the clinical significance of this variant remains unclear.

NM_002386.4(MC1R):c.674A>G (p.His225Arg)

Gene: MC1R (melanocortin 1 receptor; plus strand). Cytogenetic location: 16q24.3.
Variant type: single nucleotide variant.
Coding change: c.674A>G on transcript NM_002386.4 (MANE Select); coding-DNA position 674, A replaced by G.
Protein change: p.His225Arg; replaces histidine 225 with arginine.
Molecular consequence: missense variant.
Genome position (GRCh38, 1-based): chr16:89,919,932, A>G. VCF-style: chr16-89919932-A-G. GRCh37 (hg19) VCF-style: chr16-89986340-A-G.
Other names: short protein forms H225R.
Identifiers: ClinVar variation 4052425 (VCV004052425.1).